The following is an entry in ClinVar:

NM_005618.4(DLL1):c.1443C>T (p.Pro481=)

Gene: DLL1 (delta like canonical Notch ligand 1; minus strand). Cytogenetic location: 6q27.
Variant type: single nucleotide variant.
Coding change: c.1443C>T on transcript NM_005618.4 (MANE Select); coding-DNA position 1443, C replaced by T.
Protein change: p.Pro481=; no amino-acid change (proline 481 retained).
Molecular consequence: synonymous variant.
Genome position (GRCh38, 1-based): chr6:170,283,836, G>A on the plus strand (C>T on the coding strand, the complement: DLL1 is on the minus strand). VCF-style: chr6-170283836-G-A. GRCh37 (hg19) VCF-style: chr6-170592924-G-A.
Identifiers: ClinVar variation 725017 (VCV000725017.17), dbSNP rs372345994, ClinGen allele CA4106824.

ClinVar aggregate classification (germline): Benign/Likely benign. Review status: criteria provided, multiple submitters, no conflicts (2 of 4 stars). 2 submissions from 2 submitters: Benign (1); Likely benign (1). Last evaluated 2026-04-01.

Allele frequency attached by ClinVar (database versions not stated): gnomAD exomes 0.00009 and 0.00030; gnomAD 0.00015 and 0.00020; TOPMed 0.00029; ExAC 0.00035; 1000 Genomes Project 0.00040; 1000 Genomes Project 30x 0.00062.
gnomAD v4.1: 212 of 1,602,912 alleles (0.013%); highest among the groups gnomAD compares: East Asian, 0.15%; 2 homozygotes.

Submissions (2):

CeGaT Center for Human Genetics Tuebingen
Classification: Likely benign. Last evaluated: 2026-04-01. Review status: criteria provided, single submitter. Criteria: CeGaT Center For Human Genetics Tuebingen Variant Classification Criteria Version 2. Collection method: clinical testing. Allele origin: germline. Affected: yes. Observed: 2 variant alleles.
Comment: DLL1: BP4, BP7, BS1

Labcorp Genetics (formerly Invitae), Labcorp
Classification: Benign. Last evaluated: 2025-12-11. Review status: criteria provided, single submitter. Criteria: Invitae Variant Classification Sherloc (09022015). Collection method: clinical testing. Allele origin: germline.